The following is an entry in ClinVar:

ClinVar aggregate classification (germline): Likely benign (1 of 4 stars; one submission).

Conditions:
Developmental and epileptic encephalopathy 94 (DEE94). Also called: Epileptic encephalopathy, childhood-onset; CHD2-Related Neurodevelopmental Disorders. Identifiers: Orphanet 1942, Orphanet 2382, MedGen C3809278, MONDO:0014150, OMIM 615369.

Allele frequency attached by ClinVar (database versions not stated): gnomAD exomes 0.00002 and 0.00001; ExAC 0.00001.
gnomAD v4.1: 24 of 1,613,342 alleles (0.0015%); highest among the groups gnomAD compares: Middle Eastern, 0.017%; no homozygotes.

Submission:

Laboratory of Medical Genetics, National & Kapodistrian University of Athens
Classification: Likely benign for Developmental and epileptic encephalopathy 94. Last evaluated: 2024-01-10. Review status: criteria provided, single submitter. Criteria: ACMG Guidelines, 2015. Collection method: clinical testing. Allele origin: unknown. Inheritance: Autosomal dominant inheritance. Affected: yes.
Comment: BS2, PM2, PP2

NM_001271.4(CHD2):c.2189A>G (p.Lys730Arg)

Gene: CHD2 (chromodomain helicase DNA binding protein 2; plus strand). Cytogenetic location: 15q26.1.
Variant type: single nucleotide variant.
Coding change: c.2189A>G on transcript NM_001271.4 (MANE Select); coding-DNA position 2189, A replaced by G.
Protein change: p.Lys730Arg; replaces lysine 730 with arginine.
Molecular consequence: missense variant.
Genome position (GRCh38, 1-based): chr15:92,967,513, A>G. VCF-style: chr15-92967513-A-G. GRCh37 (hg19) VCF-style: chr15-93510743-A-G.
Other names: short protein forms K730R.
Identifiers: ClinVar variation 1299559 (VCV001299559.2), dbSNP rs767965789, ClinGen allele CA7747927.